The following is an entry in ClinVar:

NM_025114.4(CEP290):c.5452A>C (p.Asn1818His)

Gene: CEP290 (centrosomal protein 290; minus strand). Cytogenetic location: 12q21.32.
Variant type: single nucleotide variant.
Coding change: c.5452A>C on transcript NM_025114.4 (MANE Select); coding-DNA position 5452, A replaced by C.
Protein change: p.Asn1818His; replaces asparagine 1818 with histidine.
Molecular consequence: missense variant.
Genome position (GRCh38, 1-based): chr12:88,077,831, T>G on the plus strand (A>C on the coding strand, the complement: CEP290 is on the minus strand). VCF-style: chr12-88077831-T-G. GRCh37 (hg19) VCF-style: chr12-88471608-T-G.
Other names: short protein forms N1818H.
Identifiers: ClinVar variation 4979319 (VCV004979319.1).

ClinVar aggregate classification (germline): Uncertain significance (1 of 4 stars; one submission).

Conditions:
CEP290-related disorder. Also called: CEP290-related condition; CEP290-related disorders. Identifiers: MedGen CN239314.

gnomAD v4.1: 12 of 1,511,612 alleles (0.00079%); highest among the groups gnomAD compares: South Asian, 0.0048%; no homozygotes.

Submission:

PreventionGenetics, part of Exact Sciences
Classification: Uncertain significance for CEP290-related condition. Last evaluated: 2025-01-13. Review status: criteria provided, single submitter. Criteria: ACMG Guidelines, 2015. Collection method: clinical testing. Allele origin: germline.
Comment: The CEP290 c.5452A>C variant is predicted to result in the amino acid substitution p.Asn1818His. To our knowledge, this variant has not been reported in the literature. This variant is reported in 0.0011% of alleles in individuals of European (non-Finnish) descent in gnomAD. At this time, the clinical significance of this variant is uncertain due to the absence of conclusive functional and genetic evidence.